The following is an entry in ClinVar:

ClinVar aggregate classification (germline): Pathogenic/Likely pathogenic. Review status: criteria provided, multiple submitters, no conflicts (2 of 4 stars). 7 submissions from 7 submitters: Pathogenic (5); Likely pathogenic (1). 1 of the submissions does not count toward it. Last evaluated 2026-05-06.

Conditions:
CDH23-related disorder. Also called: CDH23-related disorders; CDH23-related condition.
Pituitary adenoma 5, multiple types. Identifiers: MedGen C4539685, MONDO:0054601, OMIM 617540.
Autosomal recessive nonsyndromic hearing loss 12. Also called: DEAFNESS, AUTOSOMAL RECESSIVE 12. Identifiers: Orphanet 90636, MedGen C1832394, MONDO:0011067, OMIM 601386.
Usher syndrome type 1D (USH1D). Also called: USHER SYNDROME, TYPE ID. Identifiers: Orphanet 231169, Orphanet 886, MedGen C1832845, MONDO:0010984, OMIM 601067.
Retinal dystrophy. Also called: Inherited retinal dystrophy. Identifiers: Orphanet 71862, MedGen C0854723, MeSH D058499, MONDO:0019118, HP:0000556.

Allele frequency attached by ClinVar (database versions not stated): TOPMed 0.00001.
gnomAD v4.1: 19 of 1,613,780 alleles (0.0012%); highest among the groups gnomAD compares: Non-Finnish European, 0.0015%; no homozygotes.

Submissions (7):

PreventionGenetics, part of Exact Sciences
Classification: Pathogenic for CDH23-related condition. Last evaluated: 2026-05-06. Review status: criteria provided, single submitter. Criteria: ACMG Guidelines, 2015. Collection method: clinical testing. Allele origin: germline.
Comment: The CDH23 c.7908C>G variant is predicted to result in premature protein termination (p.Tyr2636*). This variant has been reported along with a second pathogenic CDH23 variant in at least two unrelated individuals with Usher syndrome type 1D (USH1D; Table S5, Ellingford et al. 2016. PubMed ID: 27208204; Table S1, Lin et al. 2024. PubMed ID: 38219857). This variant has not been reported in a large population database (gnomAD), indicating this variant is rare. Nonsense variants in CDH23 are expected to be pathogenic. This variant is interpreted as pathogenic.

GeneDx
Classification: Pathogenic. Last evaluated: 2025-04-11. Review status: criteria provided, single submitter. Criteria: GeneDx Variant Classification Process June 2021. Collection method: clinical testing. Allele origin: germline. Affected: yes.
Comment: Identified with a second CDH23 variant in patients with suspected inherited retinal disease in published literature, however, clinical details were not provided (PMID: 27208204, 38219857); Nonsense variant predicted to result in protein truncation or nonsense mediated decay in a gene for which loss of function is a known mechanism of disease; Not observed at significant frequency in large population cohorts (gnomAD); This variant is associated with the following publications: (PMID: 27208204, 38219857)

Fulgent Genetics
Classification: Pathogenic for Usher syndrome type 1D; Autosomal recessive nonsyndromic hearing loss 12; Pituitary adenoma 5, multiple types. Last evaluated: 2024-01-11. Review status: criteria provided, single submitter. Criteria: ACMG Guidelines, 2015. Collection method: clinical testing. Allele origin: germline.

Labcorp Genetics (formerly Invitae), Labcorp
Classification: Pathogenic. Last evaluated: 2023-11-10. Review status: criteria provided, single submitter. Criteria: Invitae Variant Classification Sherloc (09022015). Collection method: clinical testing. Allele origin: germline.
Comment: This sequence change creates a premature translational stop signal (p.Tyr2636*) in the CDH23 gene. It is expected to result in an absent or disrupted protein product. Loss-of-function variants in CDH23 are known to be pathogenic (PMID: 11138009, 21940737). This variant is not present in population databases (gnomAD no frequency). This premature translational stop signal has been observed in individual(s) with CDH23-related conditions (PMID: 27208204). ClinVar contains an entry for this variant (Variation ID: 236430). For these reasons, this variant has been classified as Pathogenic.

Baylor Genetics
Classification: Pathogenic for Pituitary adenoma 5, multiple types. Last evaluated: 2023-10-21. Review status: criteria provided, single submitter. Criteria: ACMG Guidelines, 2015. Collection method: clinical testing. Allele origin: unknown.

Blueprint Genetics
Classification: Likely pathogenic for CDH23-related disorders. Last evaluated: 2022-06-24. Review status: criteria provided, single submitter. Criteria: ACMG Guidelines, 2015. Collection method: clinical testing. Allele origin: germline. Affected: yes. Observed: 5 variant alleles.

Centre for Genomic Medicine, Manchester, Central Manchester University Hospitals
Classification: Likely pathogenic for Retinal dystrophy. Review status: no assertion criteria provided. Collection method: clinical testing. Allele origin: germline. Affected: yes. Not counted in ClinVar's aggregate classification.

Literature cited by the submitters: PubMed 11138009 (cited by Labcorp Genetics (formerly Invitae), Labcorp); PubMed 21940737 (cited by Labcorp Genetics (formerly Invitae), Labcorp); PubMed 27208204 (cited by Labcorp Genetics (formerly Invitae), Labcorp).

NM_022124.6(CDH23):c.7908C>G (p.Tyr2636Ter)

Genes: CDH23 (cadherin related 23; plus strand), LOC111982869 (Sharpr-MPRA regulatory region 2121; plus strand). Cytogenetic location: 10q22.1.
Variant type: single nucleotide variant.
Coding change: c.7908C>G on transcript NM_022124.6 (MANE Select); coding-DNA position 7908, C replaced by G.
Protein change: p.Tyr2636Ter; replaces tyrosine 2636 with a stop codon.
Molecular consequence: nonsense.
Genome position (GRCh38, 1-based): chr10:71,805,841, C>G. VCF-style: chr10-71805841-C-G. GRCh37 (hg19) VCF-style: chr10-73565598-C-G.
Other names: c.1188C>G, p.Tyr396Ter (NM_001171933.1, NM_001171934.1); short protein forms Y2636*, Y396*.
Identifiers: ClinVar variation 236430 (VCV000236430.14), dbSNP rs878853337, ClinGen allele CA10581675.